The following is an entry in ClinVar:

NM_000264.5(PTCH1):c.1313G>T (p.Ser438Ile)

Gene: PTCH1 (patched 1; minus strand). Cytogenetic location: 9q22.32.
Variant type: single nucleotide variant.
Coding change: c.1313G>T on transcript NM_000264.5 (MANE Select); coding-DNA position 1313, G replaced by T.
Protein change: p.Ser438Ile; replaces serine 438 with isoleucine.
Molecular consequence: missense variant. On other transcripts: non-coding transcript variant (1).
Genome position (GRCh38, 1-based): chr9:95,478,089, C>A on the plus strand (G>T on the coding strand, the complement: PTCH1 is on the minus strand). VCF-style: chr9-95478089-C-A. GRCh37 (hg19) VCF-style: chr9-98240371-C-A.
Other names: c.1115G>T, p.Ser372Ile (NM_001083602.3); c.1310G>T, p.Ser437Ile (NM_001083603.3); c.860G>T, p.Ser287Ile (NM_001083604.3, NM_001083605.3, NM_001083606.3 and 1 more transcripts); c.1313G>T, p.Ser438Ile (NM_001354918.2); short protein forms S438I, S372I, S287I, S437I.
Identifiers: ClinVar variation 2910230 (VCV002910230.4), dbSNP rs2118331448, ClinGen allele CA374118766.
Genomic context (GRCh38, chr9:95,478,089, plus strand): 5'-CCCAGGAGCATGGCATCGAGCGTTACCATGAGTAAGTAGCCGCTGGCCACGCGGATGACA[C>A]TGACGTCAGAGAAGGATTTCAGGATGTCGTCCAGGGTCGTGGTGGTGAAGGAAAGCACCT-3'
Protein context (NP_000255.2, residues 428-448): DDILKSFSDV[Ser438Ile]VIRVASGYLL

ClinVar aggregate classification (germline): Conflicting classifications of pathogenicity. Review status: criteria provided, conflicting classifications (1 of 4 stars). 2 submissions from 2 submitters: Likely pathogenic (1); Uncertain significance (1). Last evaluated 2024-05-24.

Conditions:
Gorlin syndrome. Also called: Basal cell nevus syndrome; Nevoid Basal Cell Carcinoma Syndrome. Identifiers: Orphanet 377, MedGen C0004779, MONDO:0007187.

Submissions (2):

GeneDx
Classification: Likely pathogenic. Last evaluated: 2024-05-24. Review status: criteria provided, single submitter. Criteria: GeneDx Variant Classification Process June 2021. Collection method: clinical testing. Allele origin: germline. Affected: yes.
Comment: The S438I missense substitution has not been published as a mutation, nor has it been reported as a benign polymorphism to our knowledge. It has been observed at GeneDx in four probands referred for PTCH1 gene analysis and was de novo in one of these probands. S438I is a non-conservative amino acid substitution as a polar Serine residue is replaced with a non-polar Isoleucine residue at a position that is moderately well conserved across species. Additionally, the NHLBI ESP Exome Variant Server reports S438I was not observed in approximately 6,000 samples from individuals of European and African American backgrounds, indicating it is not a common benign variant in these populations. However, the vast majority of mutations in the PTCH1 gene causing Gorlin syndrome are nonsense or frameshift mutations rather than missense substitutions. Therefore, S438I is a candidate for a disease-causing mutation, however the possibility that it is a benign variant cannot be excluded.

Labcorp Genetics (formerly Invitae), Labcorp
Classification: Uncertain significance for Gorlin syndrome. Last evaluated: 2023-08-11. Review status: criteria provided, single submitter. Criteria: Invitae Variant Classification Sherloc (09022015). Collection method: clinical testing. Allele origin: germline.
Comment: This missense change has been observed in individual(s) with clinical features of PTCH1-related conditions (PMID: 28342698; Invitae). This variant is not present in population databases (gnomAD no frequency). This sequence change replaces serine, which is neutral and polar, with isoleucine, which is neutral and non-polar, at codon 438 of the PTCH1 protein (p.Ser438Ile). In summary, the available evidence is currently insufficient to determine the role of this variant in disease. Therefore, it has been classified as a Variant of Uncertain Significance. Advanced modeling of protein sequence and biophysical properties (such as structural, functional, and spatial information, amino acid conservation, physicochemical variation, residue mobility, and thermodynamic stability) has been performed at Invitae for this missense variant, however the output from this modeling did not meet the statistical confidence thresholds required to predict the impact of this variant on PTCH1 protein function.

Literature cited by the submitters: PubMed 28342698 (cited by Labcorp Genetics (formerly Invitae), Labcorp).